The following is an entry in ClinVar:

NM_003190.5(TAPBP):c.819A>G (p.Ile273Met)

Gene: TAPBP (TAP binding protein; minus strand). Cytogenetic location: 6p21.32.
Variant type: single nucleotide variant.
Coding change: c.819A>G on transcript NM_003190.5 (MANE Select); coding-DNA position 819, A replaced by G.
Protein change: p.Ile273Met; replaces isoleucine 273 with methionine.
Molecular consequence: missense variant.
Genome position (GRCh38, 1-based): chr6:33,305,038, T>C on the plus strand (A>G on the coding strand, the complement: TAPBP is on the minus strand). VCF-style: chr6-33305038-T-C. GRCh37 (hg19) VCF-style: chr6-33272815-T-C.
Other names: c.819A>G, p.Ile273Met (NM_001410875.1, NM_172208.3); c.558A>G, p.Ile186Met (NM_172209.3); short protein forms I186M, I273M.
Identifiers: ClinVar variation 2818788 (VCV002818788.3), dbSNP rs761456612, ClinGen allele CA363690495.

ClinVar aggregate classification (germline): Uncertain significance (1 of 4 stars; one submission).

Conditions:
MHC class I deficiency. Identifiers: Orphanet 34592, MedGen C6024714, MONDO:0011476.

Allele frequency attached by ClinVar (database versions not stated): gnomAD exomes below 0.00001.
gnomAD v4.1: 1 of 1,614,132 alleles (0.000062%); highest among the groups gnomAD compares: Non-Finnish European, 0.000085%; no homozygotes.

Submission:

Labcorp Genetics (formerly Invitae), Labcorp
Classification: Uncertain significance for MHC class I deficiency 1. Last evaluated: 2024-05-28. Review status: criteria provided, single submitter. Criteria: Invitae Variant Classification Sherloc (09022015). Collection method: clinical testing. Allele origin: germline.
Comment: This sequence change replaces isoleucine, which is neutral and non-polar, with methionine, which is neutral and non-polar, at codon 273 of the TAPBP protein (p.Ile273Met). This variant is not present in population databases (gnomAD no frequency). This variant has not been reported in the literature in individuals affected with TAPBP-related conditions. An algorithm developed to predict the effect of missense changes on protein structure and function (PolyPhen-2) suggests that this variant is likely to be disruptive. In summary, the available evidence is currently insufficient to determine the role of this variant in disease. Therefore, it has been classified as a Variant of Uncertain Significance.